The following is an entry in ClinVar:

NM_000426.4(LAMA2):c.3700dup (p.Tyr1234fs)

Gene: LAMA2 (laminin subunit alpha 2; plus strand). Cytogenetic location: 6q22.33.
Variant type: Duplication.
Coding change: c.3700dup on transcript NM_000426.4 (MANE Select); coding-DNA position 3700, one base duplicated (T; older notation c.3700dupT).
Protein change: p.Tyr1234fs; shifts the reading frame from tyrosine 1234.
Molecular consequence: frameshift variant.
Genome position (GRCh38, 1-based): chr6:129,315,620, T duplicated; the last of 5 consecutive T bases (chr6:129,315,616-129,315,620); duplicating any one gives the same sequence. VCF-style (leftmost placement, unchanged base first): chr6-129315615-C-CT. GRCh37 (hg19) VCF-style: chr6-129636760-C-CT.
Other names: c.3700dup, p.Tyr1234fs (NM_001079823.2); c.3700dupT (NM_000426.4); short protein forms Y1234fs.
Identifiers: ClinVar variation 3907048 (VCV003907048.1).

ClinVar aggregate classification (germline): Pathogenic (1 of 4 stars; one submission).

Conditions:
Merosin deficient congenital muscular dystrophy (MDC1A). Also called: Congenital Muscular Dystrophy Type 1A (MDC1A); Congenital merosin-deficient muscular dystrophy 1A. Identifiers: Orphanet 258, MedGen C1263858, MONDO:0011925, OMIM 607855.

Submission:

Women's Health and Genetics/Laboratory Corporation of America, LabCorp
Classification: Pathogenic for Merosin deficient congenital muscular dystrophy. Last evaluated: 2025-06-17. Review status: criteria provided, single submitter. Criteria: LabCorp Variant Classification Summary - May 2015. Collection method: clinical testing. Allele origin: germline.
Comment: Variant summary: LAMA2 c.3700dupT (p.Tyr1234LeufsX9) results in a premature termination codon, predicted to cause a truncation of the encoded protein or absence of the protein due to nonsense mediated decay, which are commonly known mechanisms for disease. The variant was absent in 251482 control chromosomes. To our knowledge, no occurrence of c.3700dupT in individuals affected with Merosin deficient congenital muscular dystrophy and no experimental evidence demonstrating its impact on protein function have been reported. No submitters have cited clinical-significance assessments for this variant to ClinVar. Based on the evidence outlined above, the variant was classified as pathogenic.